The following is an entry in ClinVar:

ClinVar aggregate classification (germline): Uncertain significance. Review status: criteria provided, multiple submitters, no conflicts (2 of 4 stars). 3 submissions from 3 submitters: Uncertain significance (3). Last evaluated 2024-09-05.

Conditions:
Inborn genetic diseases. Identifiers: MedGen C0950123, MeSH D030342.
Bartter disease type 3. Also called: Bartter syndrome type 3. Identifiers: Orphanet 112, Orphanet 93605, MedGen C1846343, MONDO:0011822, OMIM 607364.
Bartter disease type 4B. Also called: BARTTER SYNDROME, TYPE 4B; Bartter syndrome, type 4b, digenic; BARTTER SYNDROME, TYPE 4B, NEONATAL, WITH SENSORINEURAL DEAFNESS. Identifiers: Orphanet 112, MedGen C4310805, MONDO:0000909, OMIM 613090.

Allele frequency attached by ClinVar (database versions not stated): gnomAD 0.00003 and 0.00006; ExAC 0.00005; TOPMed 0.00005; gnomAD exomes 0.00006 and 0.00008; 1000 Genomes Project 0.00020; 1000 Genomes Project 30x 0.00031.
gnomAD v4.1: 104 of 1,613,226 alleles (0.0064%); highest among the groups gnomAD compares: Admixed American, 0.027%; no homozygotes.

Submissions (3):

Labcorp Genetics (formerly Invitae), Labcorp
Classification: Uncertain significance. Last evaluated: 2024-09-05. Review status: criteria provided, single submitter. Criteria: Invitae Variant Classification Sherloc (09022015). Collection method: clinical testing. Allele origin: germline.
Comment: This sequence change replaces isoleucine, which is neutral and non-polar, with threonine, which is neutral and polar, at codon 525 of the CLCNKB protein (p.Ile525Thr). This variant is present in population databases (rs553594726, gnomAD 0.04%). This variant has not been reported in the literature in individuals affected with CLCNKB-related conditions. ClinVar contains an entry for this variant (Variation ID: 1507818). Invitae Evidence Modeling of protein sequence and biophysical properties (such as structural, functional, and spatial information, amino acid conservation, physicochemical variation, residue mobility, and thermodynamic stability) indicates that this missense variant is not expected to disrupt CLCNKB protein function with a negative predictive value of 80%. In summary, the available evidence is currently insufficient to determine the role of this variant in disease. Therefore, it has been classified as a Variant of Uncertain Significance.

Fulgent Genetics
Classification: Uncertain significance for Bartter disease type 3; Bartter disease type 4B. Last evaluated: 2022-05-04. Review status: criteria provided, single submitter. Criteria: ACMG Guidelines, 2015. Collection method: clinical testing. Allele origin: unknown.

Ambry Genetics
Classification: Uncertain significance for Inborn genetic diseases. Last evaluated: 2021-06-18. Review status: criteria provided, single submitter. Criteria: Ambry Variant Classification Scheme 2023. Collection method: clinical testing. Allele origin: germline.

NM_000085.5(CLCNKB):c.1574T>C (p.Ile525Thr)

Genes: CLCNKB (chloride voltage-gated channel Kb; plus strand), LOC106501713 (CLCNKB recombination region; plus strand). Cytogenetic location: 1p36.13.
Variant type: single nucleotide variant.
Coding change: c.1574T>C on transcript NM_000085.5 (MANE Select); coding-DNA position 1574, T replaced by C.
Protein change: p.Ile525Thr; replaces isoleucine 525 with threonine.
Molecular consequence: missense variant.
Genome position (GRCh38, 1-based): chr1:16,052,363, T>C. VCF-style: chr1-16052363-T-C. GRCh37 (hg19) VCF-style: chr1-16378858-T-C.
Other names: c.1067T>C, p.Ile356Thr (NM_001165945.2); c.1574T>C (NM_000085.3); short protein forms I525T, I356T.
Identifiers: ClinVar variation 1507818 (VCV001507818.7), dbSNP rs553594726, ClinGen allele CA623924.